The following is an entry in ClinVar:

NM_006922.4(SCN3A):c.5636T>C (p.Met1879Thr)

Gene: SCN3A (sodium voltage-gated channel alpha subunit 3; minus strand). Cytogenetic location: 2q24.3.
Variant type: single nucleotide variant.
Coding change: c.5636T>C on transcript NM_006922.4 (MANE Select); coding-DNA position 5636, T replaced by C.
Protein change: p.Met1879Thr; replaces methionine 1879 with threonine.
Molecular consequence: missense variant.
Genome position (GRCh38, 1-based): chr2:165,090,517, A>G on the plus strand (T>C on the coding strand, the complement: SCN3A is on the minus strand). VCF-style: chr2-165090517-A-G. GRCh37 (hg19) VCF-style: chr2-165947027-A-G.
Other names: c.5489T>C, p.Met1830Thr (NM_001081676.2, NM_001081677.2); short protein forms M1830T, M1879T.
Identifiers: ClinVar variation 955273 (VCV000955273.7), dbSNP rs773793959, ClinGen allele CA1938376.

ClinVar aggregate classification (germline): Uncertain significance. Review status: criteria provided, multiple submitters, no conflicts (2 of 4 stars). 2 submissions from 2 submitters: Uncertain significance (2). Last evaluated 2025-09-15.

Allele frequency attached by ClinVar (database versions not stated): gnomAD exomes below 0.00001; ExAC 0.00001.

Submissions (2):

Labcorp Genetics (formerly Invitae), Labcorp
Classification: Uncertain significance. Last evaluated: 2025-09-15. Review status: criteria provided, single submitter. Criteria: Invitae Variant Classification Sherloc (09022015). Collection method: clinical testing. Allele origin: germline.
Comment: This sequence change replaces methionine, which is neutral and non-polar, with threonine, which is neutral and polar, at codon 1879 of the SCN3A protein (p.Met1879Thr). This variant is present in population databases (rs773793959, gnomAD 0.0009%). This variant has not been reported in the literature in individuals affected with SCN3A-related conditions. ClinVar contains an entry for this variant (Variation ID: 955273). Invitae Evidence Modeling of protein sequence and biophysical properties (such as structural, functional, and spatial information, amino acid conservation, physicochemical variation, residue mobility, and thermodynamic stability) has been performed for this missense variant. However, the output from this modeling did not meet the statistical confidence thresholds required to predict the impact of this variant on SCN3A protein function. In summary, the available evidence is currently insufficient to determine the role of this variant in disease. Therefore, it has been classified as a Variant of Uncertain Significance.

Blueprint Genetics
Classification: Uncertain significance. Last evaluated: 2023-11-16. Review status: criteria provided, single submitter. Criteria: ACMG Guidelines, 2015. Collection method: clinical testing. Allele origin: germline.